The following is an entry in ClinVar:

NC_000001.10:g.(?_230203028)_(230415204_?)dup

Gene: GALNT2 (polypeptide N-acetylgalactosaminyltransferase 2; plus strand). Cytogenetic location: 1q42.13.
Variant type: Duplication.
Identifiers: ClinVar variation 2425125 (VCV002425125.4).

ClinVar aggregate classification (germline): Uncertain significance (1 of 4 stars; one submission).

Submission:

Labcorp Genetics (formerly Invitae), Labcorp
Classification: Uncertain significance. Last evaluated: 2023-07-17. Review status: criteria provided, single submitter. Criteria: Invitae Variant Classification Sherloc (09022015). Collection method: clinical testing. Allele origin: germline.
Comment: A copy number gain of the genomic region encompassing the full coding sequence of the GALNT2 gene has been identified. The boundaries of this event are unknown as they extend beyond the assayed region for this gene and therefore may encompass additional genes. As the precise location of this event is unknown, it may be in tandem or it may be located elsewhere in the genome. This variant has not been reported in the literature in individuals affected with GALNT2-related conditions. In summary, the available evidence is currently insufficient to determine the role of this variant in disease. Therefore, it has been classified as a Variant of Uncertain Significance.